The following is an entry in ClinVar:

ClinVar aggregate classification (germline): Benign/Likely benign. Review status: criteria provided, multiple submitters, no conflicts (2 of 4 stars). 3 submissions from 3 submitters: Benign (2); Likely benign (1). Last evaluated 2026-01-26.

Submissions (3):

Labcorp Genetics (formerly Invitae), Labcorp
Classification: Benign. Last evaluated: 2026-01-26. Review status: criteria provided, single submitter. Criteria: Invitae Variant Classification Sherloc (09022015). Collection method: clinical testing. Allele origin: germline.

Blueprint Genetics
Classification: Likely benign. Last evaluated: 2024-11-13. Review status: criteria provided, single submitter. Criteria: ACMG Guidelines, 2015. Collection method: clinical testing. Allele origin: germline.

Mayo Clinic Laboratories, Mayo Clinic
Classification: Benign. Last evaluated: 2024-10-25. Review status: criteria provided, single submitter. Criteria: ACMG Guidelines, 2015. Collection method: clinical testing. Allele origin: germline. Observed: 1 variant allele.
Comment: BA1, BP5

NM_001378457.1(DMXL2):c.88-6_88-3dup

Gene: DMXL2 (Dmx like 2; minus strand). Cytogenetic location: 15q21.2.
Variant type: Duplication.
Coding change: c.88-6_88-3dup on transcript NM_001378457.1 (MANE Select); 6 bases into the intron before coding-DNA position 88 through 3 bases into the intron before coding-DNA position 88, 4 bases duplicated (TTTT; older notation c.88-6_88-3dupTTTT).
Molecular consequence: intron variant.
Genome position (GRCh38, 1-based): chr15:51,576,184-51,576,187, AAAA duplicated on the plus strand (TTTT on the coding strand, the reverse complement: DMXL2 is on the minus strand); duplicating any 4 consecutive bases within chr15:51,576,184-51,576,203 gives the same sequence; the c. name uses the placement nearest the transcript's 3' end. VCF-style (leftmost placement, unchanged base first): chr15-51576183-T-TAAAA. GRCh37 (hg19) VCF-style: chr15-51868380-T-TAAAA.
Other names: p.?; c.88-6_88-3dup (NM_001174116.2, NM_001378460.1, NM_001174117.3 and 8 more transcripts).
Identifiers: ClinVar variation 1599910 (VCV001599910.10), dbSNP rs3078066, ClinGen allele CA490511875.